The following is an entry in ClinVar:

NM_001385641.1(SAMD11):c.874A>G (p.Ser292Gly)

Gene: SAMD11 (sterile alpha motif domain containing 11; plus strand). Cytogenetic location: 1p36.33.
Variant type: single nucleotide variant.
Coding change: c.874A>G on transcript NM_001385641.1 (MANE Select); coding-DNA position 874, A replaced by G.
Protein change: p.Ser292Gly; replaces serine 292 with glycine.
Molecular consequence: missense variant.
Genome position (GRCh38, 1-based): chr1:935,803, A>G. VCF-style: chr1-935803-A-G. GRCh37 (hg19) VCF-style: chr1-871183-A-G.
Other names: c.874A>G, p.Ser292Gly (NM_001385640.1); c.337A>G, p.Ser113Gly (NM_152486.4); short protein forms S113G, S292G.
Identifiers: ClinVar variation 1379347 (VCV001379347.7), dbSNP rs766793967, ClinGen allele CA502563.
Genomic context (GRCh38, chr1:935,803, plus strand): 5'-GGTCAGCTTTTCCCGGTCTCGTTCTGCAGCCAGGACGGCAACCTTCCCACCCTCATATCC[A>G]GCGTCCACCGCAGCCGCCACCTCGTTATGCCCGAGCATCAGAGCCGCTGTGAATTCCAGA-3'
Protein context (NP_001372570.1, residues 282-302): QDGNLPTLIS[Ser292Gly]VHRSRHLVMP

ClinVar aggregate classification (germline): Uncertain significance (1 of 4 stars; one submission).

Allele frequency attached by ClinVar (database versions not stated): gnomAD 0.00001; gnomAD exomes 0.00001 and 0.00003; TOPMed 0.00001; ExAC 0.00002.
gnomAD v4.1: 23 of 1,613,108 alleles (0.0014%); highest among the groups gnomAD compares: Non-Finnish European, 0.0019%; no homozygotes.

Submission:

Labcorp Genetics (formerly Invitae), Labcorp
Classification: Uncertain significance. Last evaluated: 2023-11-27. Review status: criteria provided, single submitter. Criteria: Invitae Variant Classification Sherloc (09022015). Collection method: clinical testing. Allele origin: germline.
Comment: This sequence change replaces serine, which is neutral and polar, with glycine, which is neutral and non-polar, at codon 113 of the SAMD11 protein (p.Ser113Gly). This variant is present in population databases (rs766793967, gnomAD 0.006%). This variant has not been reported in the literature in individuals affected with SAMD11-related conditions. ClinVar contains an entry for this variant (Variation ID: 1379347). An algorithm developed to predict the effect of missense changes on protein structure and function (PolyPhen-2) suggests that this variant¬†is likely to be tolerated. In summary, the available evidence is currently insufficient to determine the role of this variant in disease. Therefore, it has been classified as a Variant of Uncertain Significance.